The following is an entry in ClinVar:

NM_021175.4(HAMP):c.93G>A (p.Thr31=)

Gene: HAMP (hepcidin antimicrobial peptide; plus strand). Cytogenetic location: 19q13.12.
Variant type: single nucleotide variant.
Coding change: c.93G>A on transcript NM_021175.4 (MANE Select); coding-DNA position 93, G replaced by A.
Protein change: p.Thr31=; no amino-acid change (threonine 31 retained).
Molecular consequence: synonymous variant.
Genome position (GRCh38, 1-based): chr19:35,284,791, G>A. VCF-style: chr19-35284791-G-A. GRCh37 (hg19) VCF-style: chr19-35775694-G-A.
Other names: NC_000019.9:g.35775694G>A; c.93G>A (NM_021175.3).
Identifiers: ClinVar variation 4438535 (VCV004438535.2).

ClinVar aggregate classification (germline): Uncertain significance (1 of 4 stars; one submission).

Conditions:
HAMP-related disorder. Also called: HAMP-related condition.

Submissions (2):

PreventionGenetics, part of Exact Sciences
Classification: Uncertain significance for HAMP-related condition. Last evaluated: 2025-07-08. Review status: criteria provided, single submitter. Criteria: ACMG Guidelines, 2015. Collection method: clinical testing. Allele origin: germline.
Comment: The HAMP c.93G>A variant is not predicted to result in an amino acid change (p.=). To our knowledge, this variant has not been reported in the literature. This variant is predicted to alter splicing based on available splicing prediction programs (SpliceAI, Jaganathan et al. 2019. PubMed ID: 30661751). However, the use of computer prediction programs is not equivalent to functional evidence. This variant is reported in 0.0033% of alleles in individuals of South Asian descent in gnomAD. At this time, the clinical significance of this variant is uncertain due to the absence of conclusive functional and genetic evidence.

Dr. Peter K. Rogan Lab, Western University
No classification provided (evidence only). Condition: Hepatocellular carcinoma. Review status: no classification provided. Collection method: in vitro. Allele origin: not applicable. Functional consequence: retained intron. Not counted in ClinVar's aggregate classification.